The following is an entry in ClinVar:

ClinVar aggregate classification (germline): Likely pathogenic (1 of 4 stars; one submission).

Conditions:
Hereditary spastic paraplegia 4. Also called: Spastic Paraplegia 4; Spastic paraplegia 4, autosomal dominant; Familial spastic paraplegia autosomal dominant 2. Identifiers: Orphanet 100985, MedGen C1866855, MONDO:0008438, OMIM 182601.

Submission:

Labcorp Genetics (formerly Invitae), Labcorp
Classification: Likely pathogenic for Hereditary spastic paraplegia 4. Last evaluated: 2019-12-26. Review status: criteria provided, single submitter. Criteria: Invitae Variant Classification Sherloc (09022015). Collection method: clinical testing. Allele origin: germline.
Comment: This sequence change replaces serine with arginine at codon 595 of the SPAST protein (p.Ser595Arg). The serine residue is highly conserved and there is a moderate physicochemical difference between serine and arginine. This variant is not present in population databases (ExAC no frequency). This missense change has been observed in individual(s) with clinical features of hereditary spastic paraplegia (PMID: 24824479, Invitae). In at least one individual the variant was observed to be de novo. Algorithms developed to predict the effect of missense changes on protein structure and function (SIFT, PolyPhen-2, Align-GVGD) all suggest that this variant is likely to be disruptive, but these predictions have not been confirmed by published functional studies and their clinical significance is uncertain. In summary, the currently available evidence indicates that the variant is pathogenic, but additional data are needed to prove that conclusively. Therefore, this variant has been classified as Likely Pathogenic.

Literature cited by the submitters: PubMed 24824479.

NM_014946.4(SPAST):c.1785C>G (p.Ser595Arg)

Gene: SPAST (spastin; plus strand). Cytogenetic location: 2p22.3.
Variant type: single nucleotide variant.
Coding change: c.1785C>G on transcript NM_014946.4 (MANE Select); coding-DNA position 1785, C replaced by G.
Protein change: p.Ser595Arg; replaces serine 595 with arginine.
Molecular consequence: missense variant. On other transcripts: 3 prime UTR variant (1).
Genome position (GRCh38, 1-based): chr2:32,154,430, C>G. VCF-style: chr2-32154430-C-G. GRCh37 (hg19) VCF-style: chr2-32379499-C-G.
Other names: c.1782C>G, p.Ser594Arg (NM_001363823.2); c.1686C>G, p.Ser562Arg (NM_001363875.2); c.*58C>G (NM_001377959.1); c.1689C>G, p.Ser563Arg (NM_199436.2); short protein forms S562R, S595R, S563R, S594R.
Identifiers: ClinVar variation 857953 (VCV000857953.9), dbSNP rs145206063, ClinGen allele CA346505641.